The following is an entry in ClinVar:

ClinVar aggregate classification (germline): Likely pathogenic. Review status: criteria provided, multiple submitters, no conflicts (2 of 4 stars). 2 submissions from 2 submitters: Likely pathogenic (2). Last evaluated 2024-12-10.

Conditions:
Inborn genetic diseases. Identifiers: MedGen C0950123, MeSH D030342.

Submissions (2):

Labcorp Genetics (formerly Invitae), Labcorp
Classification: Likely pathogenic. Last evaluated: 2024-12-10. Review status: criteria provided, single submitter. Criteria: Invitae Variant Classification Sherloc (09022015). Collection method: clinical testing. Allele origin: germline.
Comment: This sequence change replaces glycine, which is neutral and non-polar, with valine, which is neutral and non-polar, at codon 135 of the COL4A5 protein (p.Gly135Val). This variant is not present in population databases (gnomAD no frequency). This variant has not been reported in the literature in individuals affected with COL4A5-related conditions. ClinVar contains an entry for this variant (Variation ID: 2609904). Invitae Evidence Modeling of protein sequence and biophysical properties (such as structural, functional, and spatial information, amino acid conservation, physicochemical variation, residue mobility, and thermodynamic stability) indicates that this missense variant is expected to disrupt COL4A5 protein function with a positive predictive value of 95%. This variant disrupts the triple helix domain of COL4A5. Glycine residues within the Gly-Xaa-Yaa repeats of the triple helix domain are required for the structure and stability of fibrillar collagens (PMID: 7695699, 8218237, 19344236). In COL4A5, missense variants at these glycine residues are significantly enriched in individuals with disease (PMID: 23720012, 27627812) compared to the general population (ExAC). In summary, the currently available evidence indicates that the variant is pathogenic, but additional data are needed to prove that conclusively. Therefore, this variant has been classified as Likely Pathogenic.

Ambry Genetics
Classification: Likely pathogenic for Inborn genetic diseases. Last evaluated: 2023-11-01. Review status: criteria provided, single submitter. Criteria: Ambry Variant Classification Scheme 2023. Collection method: clinical testing. Allele origin: germline.
Comment: The c.404G>T (p.G135V) alteration is located in exon 7 (coding exon 7) of the COL4A5 gene. This alteration results from a G to T substitution at nucleotide position 404, causing the glycine (G) at amino acid position 135 to be replaced by a valine (V). This variant was not reported in population-based cohorts in the Genome Aggregation Database (gnomAD). This amino acid position is highly conserved in available vertebrate species. The p.G135 amino acid is located within the triple-helical domain of the collagen alpha-5 (IV) chain, and this alteration affects one of the highly conserved glycine residues in the Gly-X-Y motif that make up this domain (Ramshaw, 1998). This alteration is predicted to be deleterious by in silico analysis. Based on the available evidence, this alteration is classified as likely pathogenic.

Literature cited by the submitters: PubMed 7695699 (cited by Labcorp Genetics (formerly Invitae), Labcorp); PubMed 8218237 (cited by Labcorp Genetics (formerly Invitae), Labcorp); PubMed 19344236 (cited by Labcorp Genetics (formerly Invitae), Labcorp); PubMed 23720012 (cited by Labcorp Genetics (formerly Invitae), Labcorp); PubMed 27627812 (cited by Labcorp Genetics (formerly Invitae), Labcorp); PubMed 9724608 (cited by Ambry Genetics); PubMed 36543213 (cited by Ambry Genetics).

NM_033380.3(COL4A5):c.404G>T (p.Gly135Val)

Gene: COL4A5 (collagen type IV alpha 5 chain; plus strand). Cytogenetic location: Xq22.3.
Variant type: single nucleotide variant.
Coding change: c.404G>T on transcript NM_033380.3 (MANE Select); coding-DNA position 404, G replaced by T.
Protein change: p.Gly135Val; replaces glycine 135 with valine.
Molecular consequence: missense variant.
Genome position (GRCh38, 1-based): chrX:108,571,432, G>T. VCF-style: chrX-108571432-G-T. GRCh37 (hg19) VCF-style: chrX-107814662-G-T.
Other names: c.404G>T, p.Gly135Val (NM_000495.5); short protein forms G135V.
Identifiers: ClinVar variation 2609904 (VCV002609904.5), dbSNP rs1556403086, ClinGen allele CA413919895.